The following is an entry in ClinVar:

ClinVar aggregate classification (germline): Uncertain significance (1 of 4 stars; one submission).

gnomAD v4.1: 4 of 1,614,036 alleles (0.00025%); highest among the groups gnomAD compares: East Asian, 0.0022%; no homozygotes.

Submission:

Labcorp Genetics (formerly Invitae), Labcorp
Classification: Uncertain significance. Last evaluated: 2025-11-05. Review status: criteria provided, single submitter. Criteria: Invitae Variant Classification Sherloc (09022015). Collection method: clinical testing. Allele origin: germline.
Comment: This sequence change replaces glutamine, which is neutral and polar, with arginine, which is basic and polar, at codon 1264 of the BPTF protein (p.Gln1264Arg). This variant is present in population databases (rs752205440, gnomAD 0.01%). This variant has not been reported in the literature in individuals affected with BPTF-related conditions. An algorithm developed to predict the effect of missense changes on protein structure and function outputs the following: PolyPhen-2: "Benign". The arginine amino acid residue is found in multiple mammalian species, which suggests that this missense change does not adversely affect protein function. In summary, the available evidence is currently insufficient to determine the role of this variant in disease. Therefore, it has been classified as a Variant of Uncertain Significance.

NM_182641.4(BPTF):c.3413A>G (p.Gln1138Arg)

Gene: BPTF (bromodomain PHD finger transcription factor; plus strand). Cytogenetic location: 17q24.2.
Variant type: single nucleotide variant.
Coding change: c.3413A>G on transcript NM_182641.4 (MANE Select); coding-DNA position 3413, A replaced by G.
Protein change: p.Gln1138Arg; replaces glutamine 1138 with arginine.
Molecular consequence: missense variant.
Genome position (GRCh38, 1-based): chr17:67,911,297, A>G. VCF-style: chr17-67911297-A-G. GRCh37 (hg19) VCF-style: chr17-65907413-A-G.
Other names: c.3602A>G, p.Gln1201Arg (NM_001439139.1, NM_001439141.1, NM_001439143.1 and 1 more transcripts); c.3791A>G, p.Gln1264Arg (NM_001439140.1, NM_001439142.1, NM_004459.7); short protein forms Q1138R, Q1201R, Q1264R.
Identifiers: ClinVar variation 4752541 (VCV004752541.1).